The following is an entry in ClinVar:

NM_177438.3(DICER1):c.2159T>C (p.Val720Ala)

Gene: DICER1 (dicer 1, ribonuclease III; minus strand). Cytogenetic location: 14q32.13.
Variant type: single nucleotide variant.
Coding change: c.2159T>C on transcript NM_177438.3 (MANE Select); coding-DNA position 2159, T replaced by C.
Protein change: p.Val720Ala; replaces valine 720 with alanine.
Molecular consequence: missense variant. On other transcripts: non-coding transcript variant (6).
Genome position (GRCh38, 1-based): chr14:95,111,414, A>G on the plus strand (T>C on the coding strand, the complement: DICER1 is on the minus strand). VCF-style: chr14-95111414-A-G. GRCh37 (hg19) VCF-style: chr14-95577751-A-G.
Other names: c.2159T>C, p.Val720Ala (NM_001195573.1, NM_001271282.3, NM_001291628.2 and 12 more transcripts); c.1877T>C, p.Val626Ala (NM_001395686.1); c.1754T>C, p.Val585Ala (NM_001395687.1, NM_001395688.1, NM_001395689.1 and 3 more transcripts); c.1592T>C, p.Val531Ala (NM_001395691.1); c.476T>C, p.Val159Ala (NM_001395697.1); short protein forms V159A, V585A, V720A, V626A, V531A.
Identifiers: ClinVar variation 4746835 (VCV004746835.1).
Genomic context (GRCh38, chr14:95,111,414, plus strand): 5'-GGTCTTCCTGGAACACTGGTCTCTTCTTCATCATGCAAATCAAGCTCCTCTTCATATTTA[A>G]CAGTCTCTTTCCCAACTGGCATCAAATGGTCATCCAGTTCGCCTAACAAATTTAAAGAGA-3'
Protein context (NP_803187.1, residues 710-730): DHLMPVGKET[Val720Ala]KYEEELDLHD

ClinVar aggregate classification (germline): Uncertain significance (1 of 4 stars; one submission).

Conditions:
DICER1-related tumor predisposition. Also called: DICER1-related pleuropulmonary blastoma cancer predisposition syndrome; DICER1 syndrome. Identifiers: Orphanet 284343, MedGen C3839822, MONDO:0100216.

Submission:

Labcorp Genetics (formerly Invitae), Labcorp
Classification: Uncertain significance for DICER1-related tumor predisposition. Last evaluated: 2025-11-13. Review status: criteria provided, single submitter. Criteria: Invitae Variant Classification Sherloc (09022015). Collection method: clinical testing. Allele origin: germline.
Comment: This sequence change replaces valine, which is neutral and non-polar, with alanine, which is neutral and non-polar, at codon 720 of the DICER1 protein (p.Val720Ala). This variant is not present in population databases (gnomAD no frequency). This variant has not been reported in the literature in individuals affected with DICER1-related conditions. Invitae Evidence Modeling of protein sequence and biophysical properties (such as structural, functional, and spatial information, amino acid conservation, physicochemical variation, residue mobility, and thermodynamic stability) indicates that this missense variant is not expected to disrupt DICER1 protein function with a negative predictive value of 95%. In summary, the available evidence is currently insufficient to determine the role of this variant in disease. Therefore, it has been classified as a Variant of Uncertain Significance.